The following is an entry in ClinVar:

NM_000372.5(TYR):c.753C>A (p.Tyr251Ter)

Gene: TYR (tyrosinase; plus strand). Cytogenetic location: 11q14.3.
Variant type: single nucleotide variant.
Coding change: c.753C>A on transcript NM_000372.5 (MANE Select); coding-DNA position 753, C replaced by A.
Protein change: p.Tyr251Ter; replaces tyrosine 251 with a stop codon.
Molecular consequence: nonsense.
Genome position (GRCh38, 1-based): chr11:89,178,706, C>A. VCF-style: chr11-89178706-C-A. GRCh37 (hg19) VCF-style: chr11-88911874-C-A.
Other names: short protein forms Y251*.
Identifiers: ClinVar variation 437175 (VCV000437175.13), dbSNP rs765329261, ClinGen allele CA382035328.

ClinVar aggregate classification (germline): Pathogenic. Review status: criteria provided, multiple submitters, no conflicts (2 of 4 stars). 3 submissions from 3 submitters: Pathogenic (3). Last evaluated 2023-11-27.

Conditions:
Oculocutaneous albinism type 1A (OCA1A). Also called: Albinism, oculocutaneous, type IA. Identifiers: Orphanet 352731, Orphanet 79431, MedGen C4551504, MONDO:0008745, OMIM 203100. Disease mechanism: loss of function.

Allele frequency attached by ClinVar (database versions not stated): TOPMed 0.00001.
gnomAD v4.1: 2 of 1,613,958 alleles (0.00012%); highest among the groups gnomAD compares: African/African-American, 0.0027%; no homozygotes.

Submissions (3):

Labcorp Genetics (formerly Invitae), Labcorp
Classification: Pathogenic. Last evaluated: 2023-11-27. Review status: criteria provided, single submitter. Criteria: Invitae Variant Classification Sherloc (09022015). Collection method: clinical testing. Allele origin: germline.
Comment: This sequence change creates a premature translational stop signal (p.Tyr251*) in the TYR gene. It is expected to result in an absent or disrupted protein product. Loss-of-function variants in TYR are known to be pathogenic (PMID: 23504663). This variant is not present in population databases (gnomAD no frequency). This premature translational stop signal has been observed in individual(s) with oculocutaneous albinism (PMID: 29345414, 30472657; Invitae). ClinVar contains an entry for this variant (Variation ID: 437175). Algorithms developed to predict the effect of sequence changes on RNA splicing suggest that this variant may disrupt the consensus splice site. For these reasons, this variant has been classified as Pathogenic.

Genome-Nilou Lab
Classification: Pathogenic for Oculocutaneous albinism type 1A. Last evaluated: 2021-07-22. Review status: criteria provided, single submitter. Criteria: ACMG Guidelines, 2015. Collection method: clinical testing. Allele origin: germline. Affected: no.

Genetic Services Laboratory, University of Chicago
Classification: Pathogenic for Albinism, oculocutaneous, type IA. Last evaluated: 2016-03-15. Review status: criteria provided, single submitter. Criteria: ACMG Guidelines, 2015. Collection method: clinical testing. Allele origin: germline. Affected: yes.

Literature cited by the submitters: PubMed 23504663 (cited by Labcorp Genetics (formerly Invitae), Labcorp); PubMed 29345414 (cited by Labcorp Genetics (formerly Invitae), Labcorp); PubMed 30472657 (cited by Labcorp Genetics (formerly Invitae), Labcorp).